The following is an entry in ClinVar:

NM_133259.4(LRPPRC):c.2741C>A (p.Pro914Gln)

Gene: LRPPRC (leucine rich pentatricopeptide repeat containing; minus strand). Cytogenetic location: 2p21.
Variant type: single nucleotide variant.
Coding change: c.2741C>A on transcript NM_133259.4 (MANE Select); coding-DNA position 2741, C replaced by A.
Protein change: p.Pro914Gln; replaces proline 914 with glutamine.
Molecular consequence: missense variant.
Genome position (GRCh38, 1-based): chr2:43,925,957, G>T on the plus strand (C>A on the coding strand, the complement: LRPPRC is on the minus strand). VCF-style: chr2-43925957-G-T. GRCh37 (hg19) VCF-style: chr2-44153096-G-T.
Other names: short protein forms P914Q.
Identifiers: ClinVar variation 550034 (VCV000550034.3), dbSNP rs1463658772, ClinGen allele CA346670174.

ClinVar aggregate classification (germline): Uncertain significance. Review status: criteria provided, single submitter (1 of 4 stars). 2 submissions from 2 submitters: Uncertain significance (1). 1 of the submissions does not count toward it. Last evaluated 2023-07-25.

Conditions:
Congenital lactic acidosis, Saguenay-Lac-Saint-Jean type (MC4DN5). Also called: CYTOCHROME c OXIDASE DEFICIENCY, FRENCH CANADIAN TYPE; COX DEFICIENCY, FRENCH CANADIAN TYPE; MITOCHONDRIAL COMPLEX IV DEFICIENCY, NUCLEAR TYPE 5. Identifiers: Orphanet 70472, MedGen C1857355, MONDO:0009069, OMIM 220111.

Allele frequency attached by ClinVar (database versions not stated): gnomAD exomes 0.00002.
gnomAD v4.1: 22 of 1,600,308 alleles (0.0014%); highest among the groups gnomAD compares: East Asian, 0.049%; no homozygotes.

Submissions (2):

Women's Health and Genetics/Laboratory Corporation of America, LabCorp
Classification: Uncertain significance. Last evaluated: 2023-07-25. Review status: criteria provided, single submitter. Criteria: LabCorp Variant Classification Summary - May 2015. Collection method: clinical testing. Allele origin: germline.
Comment: Variant summary: LRPPRC c.2741C>A (p.Pro914Gln) results in a non-conservative amino acid change in the encoded protein sequence. Four of five in-silico tools predict a damaging effect of the variant on protein function. The variant was absent in 251188 control chromosomes. The available data on variant occurrences in the general population are insufficient to allow any conclusion about variant significance. c.2741C>A has been reported in the literature in an individual diagnosed with a lethal infantile mitochondrial disorder (LIMD) (Kohda_2016); however, this report does not provide unequivocal conclusions about association of the variant with Leigh Syndrome, French-Canadian Type. To our knowledge, no experimental evidence demonstrating an impact on protein function has been reported. The following publication has been ascertained in the context of this evaluation (PMID: 26741492). One submitter has cited clinical-significance assessments for this variant to ClinVar after 2014 and has classified the variant as uncertain significance. Based on the evidence outlined above, the variant was classified as uncertain significance.

Counsyl
Classification: Uncertain significance for Congenital lactic acidosis, Saguenay-Lac-Saint-Jean type. Last evaluated: 2017-08-18. Review status: no assertion criteria provided. Collection method: clinical testing. Allele origin: unknown. Not counted in ClinVar's aggregate classification.

Literature cited by the submitters: PubMed 26741492 (cited by Women's Health and Genetics/Laboratory Corporation of America, LabCorp and Counsyl).